The following is an entry in ClinVar:

ClinVar aggregate classification (germline): Likely pathogenic (1 of 4 stars; one submission).

Conditions:
Spastic ataxia 4. Identifiers: Orphanet 254343, MedGen C3150925, MONDO:0013354, OMIM 613672.

Submission:

First Genomix Gene Laboratory, Genetic Diagnostics Department
Classification: Likely pathogenic for Spastic ataxia 4. Last evaluated: 2025-09-09. Review status: criteria provided, single submitter. Criteria: ACMG Guidelines, 2015. Collection method: clinical testing. Allele origin: germline. Inheritance: Autosomal recessive inheritance. Affected: no. Observed: 1 variant allele.

NM_018109.4(MTPAP):c.1641dup (p.Lys548Ter)

Gene: MTPAP (mitochondrial poly(A) polymerase; minus strand). Cytogenetic location: 10p11.23.
Variant type: Duplication.
Coding change: c.1641dup on transcript NM_018109.4 (MANE Select); coding-DNA position 1641, one base duplicated (T; older notation c.1641dupT).
Protein change: p.Lys548Ter; replaces lysine 548 with a stop codon.
Molecular consequence: nonsense.
Genome position (GRCh38, 1-based): chr10:30,313,717, A duplicated on the plus strand (T on the coding strand, the reverse complement: MTPAP is on the minus strand). VCF-style (leftmost placement, unchanged base first): chr10-30313716-T-TA. GRCh37 (hg19) VCF-style: chr10-30602645-T-TA.
Other names: short protein forms K548*.
Identifiers: ClinVar variation 4850297 (VCV004850297.1).